The following is an entry in ClinVar:

ClinVar aggregate classification (germline): Uncertain significance. Review status: criteria provided, multiple submitters, no conflicts (2 of 4 stars). 5 submissions from 5 submitters: Uncertain significance (5). Last evaluated 2025-05-16.

Conditions:
Cardiovascular phenotype. Identifiers: MedGen CN230736.
Walker-Warburg congenital muscular dystrophy. Also called: Muscular dystrophy-dystroglycanopathy, type A; Walker-Warburg syndrome. Identifiers: Orphanet 899, MedGen C0265221, MONDO:0000171.

Allele frequency attached by ClinVar (database versions not stated): ExAC below 0.00001; TOPMed below 0.00001; gnomAD exomes 0.00001.

Submissions (5):

Women's Health and Genetics/Laboratory Corporation of America, LabCorp
Classification: Uncertain significance. Last evaluated: 2025-05-16. Review status: criteria provided, single submitter. Criteria: LabCorp Variant Classification Summary - May 2015. Collection method: clinical testing. Allele origin: germline.
Comment: Variant summary: FKRP c.385G>C (p.Val129Leu) results in a conservative amino acid change in the encoded protein sequence. Algorithms developed to predict the effect of missense changes on protein structure and function are either unavailable or do not agree on the potential impact of this missense change. The variant was absent in 105690 control chromosomes (gnomAD). The available data on variant occurrences in the general population are insufficient to allow any conclusion about variant significance. c.385G>C has been observed in one individual affected with Limb-Girdle Muscular Dystrophy (Nallamilli_2018). The report does not provide unequivocal conclusions about association of the variant with Limb-Girdle Muscular Dystrophy, Autosomal Recessive. To our knowledge, no experimental evidence demonstrating an impact on protein function has been reported. The following publication have been ascertained in the context of this evaluation (PMID: 30564623). ClinVar contains an entry for this variant (Variation ID: 288598). Based on the evidence outlined above, the variant was classified as uncertain significance.

Ambry Genetics
Classification: Uncertain significance for Cardiovascular phenotype. Last evaluated: 2022-12-27. Review status: criteria provided, single submitter. Criteria: Ambry Variant Classification Scheme 2023. Collection method: clinical testing. Allele origin: germline.
Comment: The p.V129L variant (also known as c.385G>C), located in coding exon 1 of the FKRP gene, results from a G to C substitution at nucleotide position 385. The valine at codon 129 is replaced by leucine, an amino acid with highly similar properties. This variant has been detected in the heterozygous state in an individual from a suspected limb-girdle muscular dystrophies cohort (Nallamilli BRR et al. Ann Clin Transl Neurol, 2018 Dec;5:1574-1587). This amino acid position is well conserved in available vertebrate species. In addition, the in silico prediction for this alteration is inconclusive. Since supporting evidence is limited at this time, the clinical significance of this alteration remains unclear.

Labcorp Genetics (formerly Invitae), Labcorp
Classification: Uncertain significance for Walker-Warburg congenital muscular dystrophy. Last evaluated: 2022-08-16. Review status: criteria provided, single submitter. Criteria: Invitae Variant Classification Sherloc (09022015). Collection method: clinical testing. Allele origin: germline.
Comment: This sequence change replaces valine, which is neutral and non-polar, with leucine, which is neutral and non-polar, at codon 129 of the FKRP protein (p.Val129Leu). This variant is not present in population databases (gnomAD no frequency). This missense change has been observed in individual(s) with clinical features of limb girdle muscular dystrophy (PMID: 30564623). ClinVar contains an entry for this variant (Variation ID: 288598). Algorithms developed to predict the effect of missense changes on protein structure and function (SIFT, PolyPhen-2, Align-GVGD) all suggest that this variant is likely to be tolerated. In summary, the available evidence is currently insufficient to determine the role of this variant in disease. Therefore, it has been classified as a Variant of Uncertain Significance.

Revvity Omics, Revvity
Classification: Uncertain significance. Last evaluated: 2019-06-03. Review status: criteria provided, single submitter. Criteria: ACMG Guidelines, 2015. Collection method: clinical testing. Allele origin: germline.

Eurofins Ntd Llc (ga)
Classification: Uncertain significance. Last evaluated: 2016-12-29. Review status: criteria provided, single submitter. Criteria: EGL Classification Definitions 2015. Collection method: clinical testing. Allele origin: germline. Observed: 2 variant alleles, 2 heterozygotes.

Literature cited by the submitters: PubMed 30564623 (cited by 3 submitters).

NM_024301.5(FKRP):c.385G>C (p.Val129Leu)

Gene: FKRP (fukutin related protein; plus strand). Cytogenetic location: 19q13.32.
Variant type: single nucleotide variant.
Coding change: c.385G>C on transcript NM_024301.5 (MANE Select); coding-DNA position 385, G replaced by C.
Protein change: p.Val129Leu; replaces valine 129 with leucine.
Molecular consequence: missense variant.
Genome position (GRCh38, 1-based): chr19:46,755,835, G>C. VCF-style: chr19-46755835-G-C. GRCh37 (hg19) VCF-style: chr19-47259092-G-C.
Other names: c.385G>C (NM_024301.4); c.385G>C, p.Val129Leu (NM_001039885.3); short protein forms V129L.
Identifiers: ClinVar variation 288598 (VCV000288598.13), dbSNP rs747642602, ClinGen allele CA9532147.